The following is an entry in ClinVar:

NC_000015.10:g.(?_51227769)_(51227943_?)del

Gene: CYP19A1 (cytochrome P450 family 19 subfamily A member 1; minus strand). Cytogenetic location: 15q21.2.
Variant type: Deletion.
Identifiers: ClinVar variation 830524 (VCV000830524.8).

ClinVar aggregate classification (germline): Pathogenic (1 of 4 stars; one submission).

Submission:

Labcorp Genetics (formerly Invitae), Labcorp
Classification: Pathogenic. Last evaluated: 2022-08-06. Review status: criteria provided, single submitter. Criteria: Invitae Variant Classification Sherloc (09022015). Collection method: clinical testing. Allele origin: germline.
Comment: For these reasons, this variant has been classified as Pathogenic. A similar copy number variant has been observed in individual(s) with CYP19A1-related conditions (PMID: 17164303). This variant is a gross deletion of the genomic region encompassing exon(s) 5 of the CYP19A1 gene. This deletion is out-of-frame, and is expected to create a premature termination codon and result in an absent or disrupted protein product. Loss-of-function variants in CYP19A1 are known to be pathogenic (PMID: 14602738, 27086564, 27256151).

Literature cited by the submitters: PubMed 17164303; PubMed 14602738; PubMed 27086564; PubMed 27256151.